The following is an entry in ClinVar:

NM_001042492.3(NF1):c.4027A>G (p.Thr1343Ala)

Gene: NF1 (neurofibromin 1; plus strand). Cytogenetic location: 17q11.2.
Variant type: single nucleotide variant.
Coding change: c.4027A>G on transcript NM_001042492.3 (MANE Select); coding-DNA position 4027, A replaced by G.
Protein change: p.Thr1343Ala; replaces threonine 1343 with alanine.
Molecular consequence: missense variant.
Genome position (GRCh38, 1-based): chr17:31,249,036, A>G. VCF-style: chr17-31249036-A-G. GRCh37 (hg19) VCF-style: chr17-29576054-A-G.
Other names: c.4027A>G, p.Thr1343Ala (NM_000267.4); short protein forms T1343A.
Identifiers: ClinVar variation 4024798 (VCV004024798.1).

ClinVar aggregate classification (germline): Uncertain significance (1 of 4 stars; one submission).

Conditions:
Cardiovascular phenotype. Identifiers: MedGen CN230736.
Hereditary cancer-predisposing syndrome. Also called: Tumor predisposition; Hereditary neoplastic syndrome; Neoplastic Syndromes, Hereditary; Hereditary Cancer Syndrome. Identifiers: Orphanet 140162, MedGen C0027672, MeSH D009386, MONDO:0015356.

Submission:

Ambry Genetics
Classification: Uncertain significance for Cardiovascular phenotype; Hereditary cancer-predisposing syndrome. Last evaluated: 2025-04-24. Review status: criteria provided, single submitter. Criteria: Ambry Variant Classification Scheme 2023. Collection method: clinical testing. Allele origin: germline.
Comment: The p.T1343A variant (also known as c.4027A>G), located in coding exon 30 of the NF1 gene, results from an A to G substitution at nucleotide position 4027. The threonine at codon 1343 is replaced by alanine, an amino acid with similar properties. This amino acid position is conserved. In addition, the in silico prediction for this alteration is inconclusive. Based on the available evidence, the clinical significance of this variant remains unclear.